The following is an entry in ClinVar:

NM_000487.6(ARSA):c.1293T>G (p.Tyr431Ter)

Gene: ARSA (arylsulfatase A; minus strand). Cytogenetic location: 22q13.33.
Variant type: single nucleotide variant.
Coding change: c.1293T>G on transcript NM_000487.6 (MANE Select); coding-DNA position 1293, T replaced by G.
Protein change: p.Tyr431Ter; replaces tyrosine 431 with a stop codon.
Molecular consequence: nonsense.
Genome position (GRCh38, 1-based): chr22:50,625,382, A>C on the plus strand (T>G on the coding strand, the complement: ARSA is on the minus strand). VCF-style: chr22-50625382-A-C. GRCh37 (hg19) VCF-style: chr22-51063810-A-C.
Other names: c.1293T>G, p.Tyr431Ter (NM_001085425.3, NM_001085426.3, NM_001085427.3); c.1035T>G, p.Tyr345Ter (NM_001085428.3, NM_001362782.2); short protein forms Y345*, Y431*.
Identifiers: ClinVar variation 5004730 (VCV005004730.1).

ClinVar aggregate classification (germline): Uncertain significance (1 of 4 stars; one submission).

Conditions:
Metachromatic leukodystrophy (MLD). Also called: ARSA DEFICIENCY; CEREBROSIDE SULFATASE DEFICIENCY; METACHROMATIC LEUKOENCEPHALOPATHY; Cerebral sclerosis diffuse metachromatic form; Arylsulfatase A Deficiency; SULFATIDE LIPIDOSIS. Identifiers: Orphanet 512, MedGen C0023522, MONDO:0018868, OMIM 250100.

Submission:

Myriad Genetics, Inc.
Classification: Uncertain significance for Metachromatic leukodystrophy. Last evaluated: 2026-06-15. Review status: criteria provided, single submitter. Criteria: Myriad Autosomal Dominant, Autosomal Recessive and X-Linked Classification Criteria (2023). Collection method: clinical testing. Allele origin: unknown.
Comment: NM_000487.5(ARSA):c.1293T>G(Y431*) is a nonsense variant classified as a variant of uncertain significance in the context of metachromatic leukodystrophy. Y431* has not been observed in cases with relevant disease. Relevant functional assessments of this variant are not available in the literature. Y431* has not been observed in referenced population frequency databases. In summary, there is insufficient evidence to classify NM_000487.5(ARSA):c.1293T>G(Y431*) as pathogenic or benign. Please note: this variant was assessed in the context of healthy population screening.